The following is an entry in ClinVar:

NM_033022.4(RPS24):c.240T>G (p.Asp80Glu)

Gene: RPS24 (ribosomal protein S24; plus strand). Cytogenetic location: 10q22.3.
Variant type: single nucleotide variant.
Coding change: c.240T>G on transcript NM_033022.4 (MANE Select); coding-DNA position 240, T replaced by G.
Protein change: p.Asp80Glu; replaces aspartic acid 80 with glutamic acid.
Molecular consequence: missense variant.
Genome position (GRCh38, 1-based): chr10:78,035,681, T>G. VCF-style: chr10-78035681-T-G. GRCh37 (hg19) VCF-style: chr10-79795439-T-G.
Other names: c.240T>G, p.Asp80Glu (NM_001026.5, NM_001142282.2, NM_001142283.2 and 2 more transcripts); short protein forms D80E.
Identifiers: ClinVar variation 2727382 (VCV002727382.3), dbSNP rs199598396, ClinGen allele CA210191609.

ClinVar aggregate classification (germline): Uncertain significance (1 of 4 stars; one submission).

Conditions:
Diamond-Blackfan anemia. Also called: Blackfan Diamond syndrome; Aregenerative anemia chronic congenital; Red cell aplasia, pure hereditary; Congenital hypoplastic anemia; Aase syndrome. Identifiers: Orphanet 124, MedGen C1260899, MeSH D029503, MONDO:0015253, HP:0004810.

Allele frequency attached by ClinVar (database versions not stated): gnomAD exomes below 0.00001.
gnomAD v4.1: 2 of 1,603,736 alleles (0.00012%); highest among the groups gnomAD compares: Non-Finnish European, 0.00017%; no homozygotes.

Submission:

Labcorp Genetics (formerly Invitae), Labcorp
Classification: Uncertain significance for Diamond-Blackfan anemia. Last evaluated: 2024-11-25. Review status: criteria provided, single submitter. Criteria: Invitae Variant Classification Sherloc (09022015). Collection method: clinical testing. Allele origin: germline.
Comment: This sequence change replaces aspartic acid, which is acidic and polar, with glutamic acid, which is acidic and polar, at codon 80 of the RPS24 protein (p.Asp80Glu). This variant is not present in population databases (gnomAD no frequency). This variant has not been reported in the literature in individuals affected with RPS24-related conditions. ClinVar contains an entry for this variant (Variation ID: 2727382). An algorithm developed to predict the effect of missense changes on protein structure and function (PolyPhen-2) suggests that this variant is likely to be tolerated. In summary, the available evidence is currently insufficient to determine the role of this variant in disease. Therefore, it has been classified as a Variant of Uncertain Significance.